The following is an entry in ClinVar:

ClinVar aggregate classification (germline): Uncertain significance (1 of 4 stars; one submission).

Conditions:
Hypertrophic cardiomyopathy 13. Also called: TNNC1-Related Familial Hypertrophic Cardiomyopathy. Identifiers: MedGen C2750472, MONDO:0013195, OMIM 613243.
Dilated cardiomyopathy 1Z (CMD1Z). Identifiers: Orphanet 154, MedGen C2678475, MONDO:0012745, OMIM 611879.

Allele frequency attached by ClinVar (database versions not stated): gnomAD exomes below 0.00001.
gnomAD v4.1: 1 of 1,613,998 alleles (0.000062%); highest among the groups gnomAD compares: Middle Eastern, 0.016%; no homozygotes.

Submission:

Labcorp Genetics (formerly Invitae), Labcorp
Classification: Uncertain significance for Hypertrophic cardiomyopathy 13; Dilated cardiomyopathy 1Z. Last evaluated: 2022-10-19. Review status: criteria provided, single submitter. Criteria: Invitae Variant Classification Sherloc (09022015). Collection method: clinical testing. Allele origin: germline.
Comment: In summary, the available evidence is currently insufficient to determine the role of this variant in disease. Therefore, it has been classified as a Variant of Uncertain Significance. Algorithms developed to predict the effect of sequence changes on RNA splicing suggest that this variant may create or strengthen a splice site. Algorithms developed to predict the effect of missense changes on protein structure and function are either unavailable or do not agree on the potential impact of this missense change (SIFT: "Deleterious"; PolyPhen-2: "Benign"; Align-GVGD: "Class C65"). This variant has not been reported in the literature in individuals affected with TNNC1-related conditions. This variant is not present in population databases (gnomAD no frequency). This sequence change replaces aspartic acid, which is acidic and polar, with glycine, which is neutral and non-polar, at codon 105 of the TNNC1 protein (p.Asp105Gly).

NM_003280.3(TNNC1):c.314A>G (p.Asp105Gly)

Gene: TNNC1 (troponin C1, slow skeletal and cardiac type; minus strand). Cytogenetic location: 3p21.1.
Variant type: single nucleotide variant.
Coding change: c.314A>G on transcript NM_003280.3 (MANE Select); coding-DNA position 314, A replaced by G.
Protein change: p.Asp105Gly; replaces aspartic acid 105 with glycine.
Molecular consequence: missense variant.
Genome position (GRCh38, 1-based): chr3:52,451,747, T>C on the plus strand (A>G on the coding strand, the complement: TNNC1 is on the minus strand). VCF-style: chr3-52451747-T-C. GRCh37 (hg19) VCF-style: chr3-52485763-T-C.
Other names: short protein forms D105G.
Identifiers: ClinVar variation 2102193 (VCV002102193.4), dbSNP rs2471444135, ClinGen allele CA353166882.